The following is an entry in ClinVar:

NM_030943.4(AMN):c.71G>A (p.Trp24Ter)

Gene: AMN (amnion associated transmembrane protein; plus strand). Cytogenetic location: 14q32.32.
Variant type: single nucleotide variant.
Coding change: c.71G>A on transcript NM_030943.4 (MANE Select); coding-DNA position 71, G replaced by A.
Protein change: p.Trp24Ter; replaces tryptophan 24 with a stop codon.
Molecular consequence: nonsense. On other transcripts: 5 prime UTR variant (1).
Genome position (GRCh38, 1-based): chr14:102,923,738, G>A. VCF-style: chr14-102923738-G-A. GRCh37 (hg19) VCF-style: chr14-103390075-G-A.
Other names: c.-92G>A (NM_001425246.1); short protein forms W24*.
Identifiers: ClinVar variation 3775213 (VCV003775213.1).
Genomic context (GRCh38, chr14:102,923,738, plus strand): 5'-AGCATCCCGGGCACTCAGTCGCCTCCTCCCCAGCACTGACCCAGGCGGTCTCCAAACTCT[G>A]GGTCCCCAACACGGACTTCGACGTCGCAGCCAACTGGAGCCAGAACCGGACCCCGTGCGC-3'

ClinVar aggregate classification (germline): Likely pathogenic (1 of 4 stars; one submission).

Conditions:
Imerslund-Grasbeck syndrome type 2. Also called: Megaloblastic anemia 1, Norwegian type; MEGALOBLASTIC ANEMIA, NORWEGIAN TYPE; Imerslund-Gräsbeck syndrome 2. Identifiers: MedGen C4016948, MONDO:0100157, OMIM 618882.

Submission:

3billion
Classification: Likely pathogenic for Imerslund-Grasbeck syndrome type 2. Last evaluated: 2023-12-08. Review status: criteria provided, single submitter. Criteria: ACMG Guidelines, 2015. Collection method: clinical testing. Allele origin: germline. Affected: yes.
Comment: The variant is not observed in the gnomAD v2.1.1 dataset. Predicted Consequence/Location: Stop-gained (nonsense): predicted to result in a loss or disruption of normal protein function through nonsense-mediated decay (NMD) or protein truncation. Multiple pathogenic variants are reported downstream of the variant. Therefore, this variant is classified as Likely pathogenic according to the recommendation of ACMG/AMP guideline.